The following is an entry in ClinVar:

ClinVar aggregate classification (germline): Pathogenic (1 of 4 stars; one submission).

Conditions:
Congenital myasthenic syndrome 8. Also called: MYASTHENIC SYNDROME, CONGENITAL, DUE TO AGRIN DEFICIENCY; Myasthenic syndrome, congenital, 8, with pre- and postsynaptic defects. Identifiers: Orphanet 590, MedGen C3808739, MONDO:0014052, OMIM 615120.

Submission:

Labcorp Genetics (formerly Invitae), Labcorp
Classification: Pathogenic for Congenital myasthenic syndrome 8. Last evaluated: 2018-07-31. Review status: criteria provided, single submitter. Criteria: Invitae Variant Classification Sherloc (09022015). Collection method: clinical testing. Allele origin: germline.
Comment: For these reasons, this variant has been classified as Pathogenic. Loss-of-function variants in AGRN are known to be pathogenic (PMID: 24951643). This variant has not been reported in the literature in individuals with AGRN-related disease. While this variant is not present in population databases, the frequency information is unreliable, as metrics indicate poor data quality at this position in the ExAC database. This sequence change creates a premature translational stop signal (p.Arg301Profs*14) in the AGRN gene. It is expected to result in an absent or disrupted protein product.

Literature cited by the submitters: PubMed 24951643.

NM_198576.4(AGRN):c.902_912del (p.Arg301fs)

Gene: AGRN (agrin; plus strand). Cytogenetic location: 1p36.33.
Variant type: Deletion.
Coding change: c.902_912del on transcript NM_198576.4 (MANE Select); coding-DNA positions 902 to 912, 11 bases deleted (GCGCCTGCGCC).
Protein change: p.Arg301fs; shifts the reading frame from arginine 301.
Molecular consequence: frameshift variant.
Genome position (GRCh38, 1-based): chr1:1,041,347-1,041,357, GCGCCTGCGCC deleted; deleting any 11 consecutive bases within chr1:1,041,339-1,041,357 gives the same sequence; the c. name uses the placement nearest the transcript's 3' end. VCF-style (leftmost placement, unchanged base first): chr1-1041338-TCCTGCGCCGCG-T. GRCh37 (hg19) VCF-style: chr1-976718-TCCTGCGCCGCG-T.
Other names: c.902_912del, p.Arg301fs (NM_001305275.2); c.587_597del, p.Arg196fs (NM_001364727.2); short protein forms R301fs, R196fs.
Identifiers: ClinVar variation 654128 (VCV000654128.6), dbSNP rs1570193864, ClinGen allele CA915941075.
Genomic context (GRCh38, chr1:1,041,338, plus strand): 5'-GCGCCCCCGAGGGGACCGTCTGCGGCAGCGACGGCGCCGACTACCCCGGCGAGTGCCAGC[TCCTGCGCCGCG>T]CCTGCGCCCGCCAGGAGAATGTCTTCAAGAAGTTCGACGGCCCTTGTGGTGAGCGCGGCG-3'